The following is an entry in ClinVar:

NM_000492.4(CFTR):c.3793G>T (p.Gly1265Ter)

Genes: CFTR (CF transmembrane conductance regulator; plus strand), CFTR-AS2 (CFTR antisense RNA 2; minus strand). Cytogenetic location: 7q31.2.
Variant type: single nucleotide variant.
Coding change: c.3793G>T on transcript NM_000492.4 (MANE Select); coding-DNA position 3793, G replaced by T.
Protein change: p.Gly1265Ter; replaces glycine 1265 with a stop codon.
Molecular consequence: nonsense.
Genome position (GRCh38, 1-based): chr7:117,642,513, G>T. VCF-style: chr7-117642513-G-T. GRCh37 (hg19) VCF-style: chr7-117282567-G-T.
Other names: short protein forms G1265*.
Identifiers: ClinVar variation 1725875 (VCV001725875.2), dbSNP rs2485159953, ClinGen allele CA368974961.

ClinVar aggregate classification (germline): Likely pathogenic (1 of 4 stars; one submission).

Conditions:
Cystic fibrosis (CF). Also called: MUCOVISCIDOSIS. Identifiers: Orphanet 586, MedGen C0010674, MONDO:0009061, OMIM 219700. Disease mechanism: loss of function.

Submission:

Myriad Genetics, Inc.
Classification: Likely pathogenic for Cystic fibrosis. Last evaluated: 2022-04-01. Review status: criteria provided, single submitter. Criteria: Myriad Women's Health Autosomal Recessive and X-Linked Classification Criteria (2021). Collection method: clinical testing. Allele origin: unknown.
Comment: NM_000492.3(CFTR):c.3793G>T(G1265*) is expected to be pathogenic in the context of cystic fibrosis. This variant is predicted to lead to an abnormal or absent protein product due to the creation of a premature termination codon in CFTR, a gene where loss-of-function variants are known to be pathogenic. Please note: this variant was assessed in the context of healthy population screening.